The following is an entry in ClinVar:

NM_015910.7(WDPCP):c.253+1G>A

Gene: WDPCP (WD repeat containing planar cell polarity effector; minus strand). Cytogenetic location: 2p15.
Variant type: single nucleotide variant.
Coding change: c.253+1G>A on transcript NM_015910.7 (MANE Select); the canonical splice donor site of the intron after coding-DNA position 253, G replaced by A.
Molecular consequence: splice donor variant.
Genome position (GRCh38, 1-based): chr2:63,486,541, C>T on the plus strand (G>A on the coding strand, the complement: WDPCP is on the minus strand). VCF-style: chr2-63486541-C-T. GRCh37 (hg19) VCF-style: chr2-63713675-C-T.
Other names: c.181+1G>A (NM_001354044.2); c.253+1G>A (NM_001354045.2).
Identifiers: ClinVar variation 2198964 (VCV002198964.4), dbSNP rs776267465, ClinGen allele CA347066064.

ClinVar aggregate classification (germline): Likely pathogenic (1 of 4 stars; one submission).

Conditions:
Bardet-Biedl syndrome (BBS). Identifiers: Orphanet 110, MedGen C0752166, MONDO:0015229.

Allele frequency attached by ClinVar (database versions not stated): gnomAD 0.00001; gnomAD exomes 0.00001; TOPMed 0.00002.
gnomAD v4.1: 15 of 1,570,940 alleles (0.00095%); highest among the groups gnomAD compares: Non-Finnish European, 0.0012%; no homozygotes.

Submission:

Labcorp Genetics (formerly Invitae), Labcorp
Classification: Likely pathogenic for Bardet-Biedl syndrome. Last evaluated: 2022-10-05. Review status: criteria provided, single submitter. Criteria: Invitae Variant Classification Sherloc (09022015). Collection method: clinical testing. Allele origin: germline.
Comment: In summary, the currently available evidence indicates that the variant is pathogenic, but additional data are needed to prove that conclusively. Therefore, this variant has been classified as Likely Pathogenic. Algorithms developed to predict the effect of sequence changes on RNA splicing suggest that this variant may disrupt the consensus splice site. This variant has not been reported in the literature in individuals affected with WDPCP-related conditions. The frequency data for this variant in the population databases is considered unreliable, as metrics indicate poor data quality at this position in the gnomAD database. This sequence change affects a donor splice site in intron 4 of the WDPCP gene. It is expected to disrupt RNA splicing. Variants that disrupt the donor or acceptor splice site typically lead to a loss of protein function (PMID: 16199547), and loss-of-function variants in WDPCP are known to be pathogenic (PMID: 20671153, 25427950, 27158779).

Literature cited by the submitters: PubMed 16199547; PubMed 20671153; PubMed 25427950; PubMed 27158779.